The following is an entry in ClinVar:

NM_000465.4(BARD1):c.1905G>T (p.Trp635Cys)

Gene: BARD1 (BRCA1 associated RING domain 1; minus strand). Cytogenetic location: 2q35.
Variant type: single nucleotide variant.
Coding change: c.1905G>T on transcript NM_000465.4 (MANE Select); coding-DNA position 1905, G replaced by T.
Protein change: p.Trp635Cys; replaces tryptophan 635 with cysteine.
Molecular consequence: missense variant. On other transcripts: synonymous variant (1), non-coding transcript variant (3).
Genome position (GRCh38, 1-based): chr2:214,730,507, C>A on the plus strand (G>T on the coding strand, the complement: BARD1 is on the minus strand). VCF-style: chr2-214730507-C-A. GRCh37 (hg19) VCF-style: chr2-215595231-C-A.
Other names: c.1848G>T, p.Trp616Cys (NM_001282543.2); c.552G>T, p.Trp184Cys (NM_001282545.2); c.495G>T, p.Trp165Cys (NM_001282548.2); c.366G>T, p.Gly122= (NM_001282549.2); short protein forms W635C, W616C, W165C, W184C.
Identifiers: ClinVar variation 482772 (VCV000482772.19), dbSNP rs773223671, ClinGen allele CA350451344.

ClinVar aggregate classification (germline): Uncertain significance. Review status: criteria provided, multiple submitters, no conflicts (2 of 4 stars). 5 submissions from 5 submitters: Uncertain significance (5). Last evaluated 2025-11-27.

Conditions:
Hereditary cancer-predisposing syndrome. Also called: Neoplastic Syndromes, Hereditary; Tumor predisposition; Hereditary Cancer Syndrome; Hereditary neoplastic syndrome. Identifiers: Orphanet 140162, MedGen C0027672, MeSH D009386, MONDO:0015356.
Familial cancer of breast. Also called: BREAST CANCER, FAMILIAL; Hereditary breast cancer; hereditary breast carcinoma. Identifiers: Orphanet 227535, MedGen C0346153, MONDO:0016419, OMIM 114480. Disease mechanism: loss of function.

Submissions (5):

Ambry Genetics
Classification: Uncertain significance for Hereditary cancer-predisposing syndrome. Last evaluated: 2025-11-27. Review status: criteria provided, single submitter. Criteria: Ambry Variant Classification Scheme 2023. Collection method: clinical testing. Allele origin: germline.
Comment: The p.W635C variant (also known as c.1905G>T), located in coding exon 10 of the BARD1 gene, results from a G to T substitution at nucleotide position 1905. The tryptophan at codon 635 is replaced by cysteine, an amino acid with highly dissimilar properties. This amino acid position is highly conserved in available vertebrate species. In addition, this alteration is predicted to be deleterious by in silico analysis. Since supporting evidence is limited at this time, the clinical significance of this alteration remains unclear.

GeneDx
Classification: Uncertain significance. Last evaluated: 2024-03-05. Review status: criteria provided, single submitter. Criteria: GeneDx Variant Classification Process June 2021. Collection method: clinical testing. Allele origin: germline. Affected: yes.
Comment: Not observed at significant frequency in large population cohorts (gnomAD); In silico analysis supports that this missense variant has a deleterious effect on protein structure/function; Has not been previously published as pathogenic or benign to our knowledge; This variant is associated with the following publications: (PMID: 17550235)

Baylor Genetics
Classification: Uncertain significance for Familial cancer of breast. Last evaluated: 2024-02-12. Review status: criteria provided, single submitter. Criteria: ACMG Guidelines, 2015. Collection method: clinical testing. Allele origin: unknown.

Labcorp Genetics (formerly Invitae), Labcorp
Classification: Uncertain significance for Familial cancer of breast. Last evaluated: 2020-12-13. Review status: criteria provided, single submitter. Criteria: Invitae Variant Classification Sherloc (09022015). Collection method: clinical testing. Allele origin: germline.
Comment: In summary, the available evidence is currently insufficient to determine the role of this variant in disease. Therefore, it has been classified as a Variant of Uncertain Significance. Algorithms developed to predict the effect of sequence changes on RNA splicing suggest that this variant may create or strengthen a splice site, but this prediction has not been confirmed by published transcriptional studies. Algorithms developed to predict the effect of missense changes on protein structure and function (SIFT, PolyPhen-2, Align-GVGD) all suggest that this variant is likely to be disruptive, but these predictions have not been confirmed by published functional studies and their clinical significance is uncertain. This variant has not been reported in the literature in individuals with BARD1-related conditions. ClinVar contains an entry for this variant (Variation ID: 482772). This variant is not present in population databases (ExAC no frequency). This sequence change replaces tryptophan with cysteine at codon 635 of the BARD1 protein (p.Trp635Cys). The tryptophan residue is highly conserved and there is a large physicochemical difference between tryptophan and cysteine.

Color Diagnostics, LLC DBA Color Health
Classification: Uncertain significance for Hereditary cancer-predisposing syndrome. Last evaluated: 2019-03-14. Review status: criteria provided, single submitter. Criteria: ACMG Guidelines, 2015. Collection method: clinical testing. Allele origin: germline.